The following is an entry in ClinVar:

ClinVar aggregate classification (germline): Uncertain significance (1 of 4 stars; one submission).

Conditions:
Hereditary cancer-predisposing syndrome. Also called: Neoplastic Syndromes, Hereditary; Tumor predisposition; Hereditary Cancer Syndrome; Hereditary neoplastic syndrome. Identifiers: Orphanet 140162, MedGen C0027672, MeSH D009386, MONDO:0015356.

Allele frequency attached by ClinVar (database versions not stated): gnomAD exomes below 0.00001.
gnomAD v4.1: 1 of 1,569,292 alleles (0.000064%); highest among the groups gnomAD compares: Non-Finnish European, 0.000087%; no homozygotes.

Submission:

Ambry Genetics
Classification: Uncertain significance for Hereditary cancer-predisposing syndrome. Last evaluated: 2018-02-20. Review status: criteria provided, single submitter. Criteria: Ambry Variant Classification Scheme 2023. Collection method: clinical testing. Allele origin: germline.
Comment: The p.G534D variant (also known as c.1601G>A), located in coding exon 13 of the POT1 gene, results from a G to A substitution at nucleotide position 1601. The glycine at codon 534 is replaced by aspartic acid, an amino acid with similar properties. This amino acid position is highly conserved in available vertebrate species. In addition, the in silico prediction for this alteration is inconclusive. Since supporting evidence is limited at this time, the clinical significance of this alteration remains unclear.

NM_015450.3(POT1):c.1601G>A (p.Gly534Asp)

Gene: POT1 (protection of telomeres 1; minus strand). Cytogenetic location: 7q31.33.
Variant type: single nucleotide variant.
Coding change: c.1601G>A on transcript NM_015450.3 (MANE Select); coding-DNA position 1601, G replaced by A.
Protein change: p.Gly534Asp; replaces glycine 534 with aspartic acid.
Molecular consequence: missense variant. On other transcripts: non-coding transcript variant (3).
Genome position (GRCh38, 1-based): chr7:124,827,299, C>T on the plus strand (G>A on the coding strand, the complement: POT1 is on the minus strand). VCF-style: chr7-124827299-C-T. GRCh37 (hg19) VCF-style: chr7-124467353-C-T.
Other names: c.1208G>A, p.Gly403Asp (NM_001042594.2); short protein forms G534D, G403D.
Identifiers: ClinVar variation 819645 (VCV000819645.4), dbSNP rs1413291646, ClinGen allele CA369063262.